The following is an entry in ClinVar:

NM_005633.4(SOS1):c.433G>A (p.Val145Ile)

Gene: SOS1 (SOS Ras/Rac guanine nucleotide exchange factor 1; minus strand). Cytogenetic location: 2p22.1.
Variant type: single nucleotide variant.
Coding change: c.433G>A on transcript NM_005633.4 (MANE Select); coding-DNA position 433, G replaced by A.
Protein change: p.Val145Ile; replaces valine 145 with isoleucine.
Molecular consequence: missense variant.
Genome position (GRCh38, 1-based): chr2:39,056,779, C>T on the plus strand (G>A on the coding strand, the complement: SOS1 is on the minus strand). VCF-style: chr2-39056779-C-T. GRCh37 (hg19) VCF-style: chr2-39283920-C-T.
Other names: c.412G>A, p.Val138Ile (NM_001382394.1); c.433G>A, p.Val145Ile (NM_001382395.1); short protein forms V145I, V138I.
Identifiers: ClinVar variation 2912026 (VCV002912026.3), dbSNP rs1263221891, ClinGen allele CA346373564.

ClinVar aggregate classification (germline): Uncertain significance (1 of 4 stars; one submission).

Conditions:
RASopathy. Also called: Noonan spectrum disorder; rasopathies. Identifiers: Orphanet 536391, MedGen C5555857, MONDO:0021060.

Allele frequency attached by ClinVar (database versions not stated): gnomAD exomes below 0.00001.
gnomAD v4.1: 2 of 1,599,722 alleles (0.00013%); highest among the groups gnomAD compares: Non-Finnish European, 0.00017%; no homozygotes.

Submission:

Labcorp Genetics (formerly Invitae), Labcorp
Classification: Uncertain significance for RASopathy. Last evaluated: 2024-06-22. Review status: criteria provided, single submitter. Criteria: Invitae Variant Classification Sherloc (09022015). Collection method: clinical testing. Allele origin: germline.
Comment: This sequence change replaces valine, which is neutral and non-polar, with isoleucine, which is neutral and non-polar, at codon 145 of the SOS1 protein (p.Val145Ile). This variant is present in population databases (no rsID available, gnomAD 0.0009%). This variant has not been reported in the literature in individuals affected with SOS1-related conditions. Advanced modeling of protein sequence and biophysical properties (such as structural, functional, and spatial information, amino acid conservation, physicochemical variation, residue mobility, and thermodynamic stability) has been performed at Invitae for this missense variant, however the output from this modeling did not meet the statistical confidence thresholds required to predict the impact of this variant on SOS1 protein function. In summary, the available evidence is currently insufficient to determine the role of this variant in disease. Therefore, it has been classified as a Variant of Uncertain Significance.